The following is an entry in ClinVar:

ClinVar aggregate classification (germline): Uncertain significance. Review status: criteria provided, multiple submitters, no conflicts (2 of 4 stars). 2 submissions from 2 submitters: Uncertain significance (2). Last evaluated 2025-10-01.

Allele frequency attached by ClinVar (database versions not stated): ExAC 0.00001; TOPMed 0.00002.
gnomAD v4.1: 17 of 1,613,720 alleles (0.0011%); highest among the groups gnomAD compares: Admixed American, 0.02%; 1 homozygote.

Submissions (2):

Labcorp Genetics (formerly Invitae), Labcorp
Classification: Uncertain significance. Last evaluated: 2025-10-01. Review status: criteria provided, single submitter. Criteria: Invitae Variant Classification Sherloc (09022015). Collection method: clinical testing. Allele origin: germline.
Comment: This sequence change replaces proline, which is neutral and non-polar, with arginine, which is basic and polar, at codon 2324 of the ANK3 protein (p.Pro2324Arg). This variant is present in population databases (rs775651285, gnomAD 0.02%). This variant has not been reported in the literature in individuals affected with ANK3-related conditions. ClinVar contains an entry for this variant (Variation ID: 1972930). Invitae Evidence Modeling of protein sequence and biophysical properties (such as structural, functional, and spatial information, amino acid conservation, physicochemical variation, residue mobility, and thermodynamic stability) indicates that this missense variant is not expected to disrupt ANK3 protein function with a negative predictive value of 80%. In summary, the available evidence is currently insufficient to determine the role of this variant in disease. Therefore, it has been classified as a Variant of Uncertain Significance.

Dasa
Classification: Uncertain significance. Last evaluated: 2025-02-09. Review status: criteria provided, single submitter. Criteria: DASA Assertion Criteria. Collection method: clinical testing. Allele origin: germline.
Comment: NM_020987.5(ANK3):c.6971C>G (p.Pro2324Arg) is a missense variant that results in the substitution of proline with arginine. This variant is rare in population databases. Computational prediction algorithms are consistent with a benign effect. The currently available literature and clinical evidence are not sufficient to establish a definitive association between this variant and the reported condition. Therefore, this variant is classified as a variant of uncertain significance.

NM_020987.5(ANK3):c.6971C>G (p.Pro2324Arg)

Gene: ANK3 (ankyrin 3; minus strand). Cytogenetic location: 10q21.2.
Variant type: single nucleotide variant.
Coding change: c.6971C>G on transcript NM_020987.5 (MANE Select); coding-DNA position 6971, C replaced by G.
Protein change: p.Pro2324Arg; replaces proline 2324 with arginine.
Molecular consequence: missense variant. On other transcripts: intron variant (4).
Genome position (GRCh38, 1-based): chr10:60,073,910, G>C on the plus strand (C>G on the coding strand, the complement: ANK3 is on the minus strand). VCF-style: chr10-60073910-G-C. GRCh37 (hg19) VCF-style: chr10-61833668-G-C.
Other names: c.4388-5901C>G (NM_001204403.2); c.4409-5901C>G (NM_001204404.2); c.4406-5901C>G (NM_001320874.2); c.1808-5901C>G (NM_001149.4); short protein forms P2324R.
Identifiers: ClinVar variation 1972930 (VCV001972930.7), dbSNP rs775651285, ClinGen allele CA5511777.